The following is an entry in ClinVar:

ClinVar aggregate classification (germline): Uncertain significance (1 of 4 stars; one submission).

Conditions:
Ataxia-telangiectasia syndrome (AT). Also called: LOUIS-BAR SYNDROME; Ataxia telangiectasia (A-T); Cerebello-oculocutaneous telangiectasia; Immunodeficiency with ataxia telangiectasia; ATAXIA-TELANGIECTASIA, COMPLEMENTATION GROUP A; ATAXIA-TELANGIECTASIA, FRESNO VARIANT. Identifiers: Orphanet 100, MedGen C0004135, MONDO:0008840, OMIM 208900.

Submission:

Labcorp Genetics (formerly Invitae), Labcorp
Classification: Uncertain significance for Ataxia-telangiectasia syndrome. Last evaluated: 2022-05-07. Review status: criteria provided, single submitter. Criteria: Invitae Variant Classification Sherloc (09022015). Collection method: clinical testing. Allele origin: germline.
Comment: This sequence change falls in intron 10 of the ATM gene. It does not directly change the encoded amino acid sequence of the ATM protein. In summary, the available evidence is currently insufficient to determine the role of this variant in disease. Therefore, it has been classified as a Variant of Uncertain Significance. Experimental studies and prediction algorithms are not available or were not evaluated, and the effect of this variant on mRNA splicing is currently unknown. This variant has not been reported in the literature in individuals affected with ATM-related conditions. Information on the frequency of this variant in the gnomAD database is not available, as this variant may be reported differently in the database.

NM_000051.4(ATM):c.1607+10_1607+11delinsTT

Gene: ATM (ATM serine/threonine kinase; plus strand). Cytogenetic location: 11q22.3.
Variant type: Indel.
Coding change: c.1607+10_1607+11delinsTT on transcript NM_000051.4 (MANE Select); bases 10 to 11 of the intron after coding-DNA position 1607, GC replaced by TT.
Molecular consequence: intron variant.
Genome position (GRCh38, 1-based): chr11:108,251,082-108,251,083, GC replaced by TT. VCF-style: chr11-108251082-GC-TT. GRCh37 (hg19) VCF-style: chr11-108121809-GC-TT.
Other names: c.1607+10_1607+11delinsTT (NM_001351834.2).
Identifiers: ClinVar variation 2134977 (VCV002134977.4), dbSNP rs2497254804, ClinGen allele CA2580083784.